The following is an entry in ClinVar:

ClinVar aggregate classification (germline): Benign (1 of 4 stars; one submission).

Allele frequency attached by ClinVar (database versions not stated): 1000 Genomes Project 0.15136; 1000 Genomes Project 30x 0.15209; gnomAD 0.16534 and 0.16599; TOPMed 0.16570; gnomAD exomes 0.18193.
gnomAD v4.1: 111,675 of 625,576 alleles (18%); highest among the groups gnomAD compares: Middle Eastern, 21%; 10,756 homozygotes.

Submission:

GeneDx
Classification: Benign. Last evaluated: 2018-06-19. Review status: criteria provided, single submitter. Criteria: GeneDx Variant Classification (06012015). Collection method: clinical testing. Allele origin: germline. Affected: yes.
Comment: This variant is considered likely benign or benign based on one or more of the following criteria: it is a conservative change, it occurs at a poorly conserved position in the protein, it is predicted to be benign by multiple in silico algorithms, and/or has population frequency not consistent with disease.

NM_152906.7(TANGO2):c.145+136G>A

Gene: TANGO2 (transport and golgi organization 2 homolog; plus strand). Cytogenetic location: 22q11.21.
Variant type: single nucleotide variant.
Coding change: c.145+136G>A on transcript NM_152906.7 (MANE Select); 136 bases into the intron after coding-DNA position 145, G replaced by A.
Molecular consequence: intron variant.
Genome position (GRCh38, 1-based): chr22:20,043,579, G>A. VCF-style: chr22-20043579-G-A. GRCh37 (hg19) VCF-style: chr22-20031102-G-A.
Other names: c.145+136G>A (NM_001283106.3, NM_001322163.2, NM_001283179.3 and 10 more transcripts); c.-35+136G>A (NM_001322174.2, NM_001322172.2, NM_001322160.2 and 9 more transcripts); c.268+136G>A (NM_001322143.2, NM_001322145.2, NM_001322141.2 and 5 more transcripts).
Identifiers: ClinVar variation 672145 (VCV000672145.1), dbSNP rs12627769, ClinGen allele CA14993360.